The following is an entry in ClinVar:

ClinVar aggregate classification (germline): Likely pathogenic (1 of 4 stars; one submission).

Conditions:
Primary ciliary dyskinesia. Also called: Ciliary dyskinesia. Identifiers: Orphanet 244, MedGen C0008780, MONDO:0016575, HP:0012265.

Submission:

Labcorp Genetics (formerly Invitae), Labcorp
Classification: Likely pathogenic for Primary ciliary dyskinesia. Last evaluated: 2015-07-28. Review status: criteria provided, single submitter. Criteria: Invitae Variant Classification Sherloc (09022015). Collection method: clinical testing. Allele origin: germline.
Comment: For these reasons, this variant has been classified as Likely Pathogenic. While this particular variant has not been reported in the literature, truncating variants in CCDC40 are known to be pathogenic (PMID:22693285). This sequence change affects an acceptor splice site in intron 19. It is expected to disrupt mRNA splicing and likely results in a disrupted protein product.

Literature cited by the submitters: PubMed 22693285.

NM_017950.4(CCDC40):c.3181-2A>G

Gene: CCDC40 (coiled-coil domain 40 molecular ruler complex subunit; plus strand). Cytogenetic location: 17q25.3.
Variant type: single nucleotide variant.
Coding change: c.3181-2A>G on transcript NM_017950.4 (MANE Select); the canonical splice acceptor site of the intron before coding-DNA position 3181, A replaced by G.
Molecular consequence: splice acceptor variant.
Genome position (GRCh38, 1-based): chr17:80,099,525, A>G. VCF-style: chr17-80099525-A-G. GRCh37 (hg19) VCF-style: chr17-78073324-A-G.
Identifiers: ClinVar variation 219643 (VCV000219643.9), dbSNP rs762664261, ClinGen allele CA348827.